The following is an entry in ClinVar:

NM_005732.4(RAD50):c.461T>C (p.Val154Ala)

Gene: RAD50 (RAD50 double strand break repair protein; plus strand). Cytogenetic location: 5q31.1.
Variant type: single nucleotide variant.
Coding change: c.461T>C on transcript NM_005732.4 (MANE Select); coding-DNA position 461, T replaced by C.
Protein change: p.Val154Ala; replaces valine 154 with alanine.
Molecular consequence: missense variant.
Genome position (GRCh38, 1-based): chr5:132,579,412, T>C. VCF-style: chr5-132579412-T-C. GRCh37 (hg19) VCF-style: chr5-131915104-T-C.
Other names: short protein forms V154A.
Identifiers: ClinVar variation 4842941 (VCV004842941.1).
Genomic context (GRCh38, chr5:132,579,412, plus strand): 5'-CAGAAATTGACCGAGAAATGATCAGTTCTCTTGGGGTTTCCAAGGCTGTGCTAAATAATG[T>C]CATTTTCTGTCATCAAGAAGATTCTAATTGGCCTTTAAGTGAAGGAAAGGCTTTGAAGCA-3'
Protein context (NP_005723.2, residues 144-164): LGVSKAVLNN[Val154Ala]IFCHQEDSNW

ClinVar aggregate classification (germline): Uncertain significance (1 of 4 stars; one submission).

Conditions:
Hereditary cancer-predisposing syndrome. Also called: Neoplastic Syndromes, Hereditary; Tumor predisposition; Hereditary Cancer Syndrome; Hereditary neoplastic syndrome. Identifiers: Orphanet 140162, MedGen C0027672, MeSH D009386, MONDO:0015356.

Submission:

Ambry Genetics
Classification: Uncertain significance for Hereditary cancer-predisposing syndrome. Last evaluated: 2025-12-27. Review status: criteria provided, single submitter. Criteria: Ambry Variant Classification Scheme 2023. Collection method: clinical testing. Allele origin: germline.
Comment: The p.V154A variant (also known as c.461T>C), located in coding exon 4 of the RAD50 gene, results from a T to C substitution at nucleotide position 461. The valine at codon 154 is replaced by alanine, an amino acid with similar properties. This amino acid position is conserved. In addition, this alteration is predicted to be deleterious by in silico analysis. Based on the available evidence, the clinical significance of this variant remains unclear.